The following is an entry in ClinVar:

NM_001127222.2(CACNA1A):c.5213T>C (p.Phe1738Ser)

Gene: CACNA1A (calcium voltage-gated channel subunit alpha1 A; minus strand). Cytogenetic location: 19p13.13.
Variant type: single nucleotide variant.
Coding change: c.5213T>C on transcript NM_001127222.2 (MANE Select); coding-DNA position 5213, T replaced by C.
Protein change: p.Phe1738Ser; replaces phenylalanine 1738 with serine.
Molecular consequence: missense variant.
Genome position (GRCh38, 1-based): chr19:13,234,957, A>G on the plus strand (T>C on the coding strand, the complement: CACNA1A is on the minus strand). VCF-style: chr19-13234957-A-G. GRCh37 (hg19) VCF-style: chr19-13345771-A-G.
Other names: c.5231T>C, p.Phe1744Ser (NM_000068.4, NM_023035.3); c.5216T>C, p.Phe1739Ser (NM_001127221.2); c.5222T>C, p.Phe1741Ser (NM_001174080.2); short protein forms F1738S, F1739S, F1741S, F1744S.
Identifiers: ClinVar variation 1334872 (VCV001334872.6), dbSNP rs2144646654, ClinGen allele CA404335594.

ClinVar aggregate classification (germline): Uncertain significance. Review status: criteria provided, multiple submitters, no conflicts (2 of 4 stars). 2 submissions from 2 submitters: Uncertain significance (2). Last evaluated 2026-06-11.

Submissions (2):

GeneDx
Classification: Uncertain significance. Last evaluated: 2026-06-11. Review status: criteria provided, single submitter. Criteria: GeneDx Variant Classification Process June 2021. Collection method: clinical testing. Allele origin: germline.
Comment: Not observed at significant frequency in large population cohorts (gnomAD); In silico analysis supports that this missense variant has a deleterious effect on protein structure/function; Has not been previously published as pathogenic or benign to our knowledge

Genetic Services Laboratory, University of Chicago
Classification: Uncertain significance. Last evaluated: 2019-07-30. Review status: criteria provided, single submitter. Criteria: ACMG Guidelines, 2015. Collection method: clinical testing. Allele origin: germline. Affected: no.